The following is an entry in ClinVar:

ClinVar aggregate classification (germline): Benign (1 of 4 stars; one submission).

Conditions:
Familial adenomatous polyposis 1 (FAP1). Also called: FAMILIAL ADENOMATOUS POLYPOSIS 1, ATTENUATED; POLYPOSIS, ADENOMATOUS INTESTINAL. Identifiers: MedGen C2713442, MONDO:0021056, OMIM 175100. Disease mechanism: loss of function.

Submission:

Myriad Genetics, Inc.
Classification: Benign for Familial adenomatous polyposis 1. Last evaluated: 2024-04-12. Review status: criteria provided, single submitter. Criteria: Myriad Autosomal Dominant, Autosomal Recessive and X-Linked Classification Criteria (2023). Collection method: clinical testing. Allele origin: unknown.
Comment: This variant is considered benign. This variant is a silent/synonymous amino acid change and it is not expected to impact splicing.

NM_000038.6(APC):c.8091A>T (p.Ser2697=)

Gene: APC (APC regulator of Wnt signaling pathway; plus strand). Cytogenetic location: 5q22.2.
Variant type: single nucleotide variant.
Coding change: c.8091A>T on transcript NM_000038.6 (MANE Select); coding-DNA position 8091, A replaced by T.
Protein change: p.Ser2697=; no amino-acid change (serine 2697 retained).
Molecular consequence: synonymous variant. On other transcripts: non-coding transcript variant (2).
Genome position (GRCh38, 1-based): chr5:112,843,685, A>T. VCF-style: chr5-112843685-A-T. GRCh37 (hg19) VCF-style: chr5-112179382-A-T.
Other names: c.7914A>T, p.Ser2638= (NM_001354901.2, NM_001407453.1); c.7818A>T, p.Ser2606= (NM_001354902.2); c.7788A>T, p.Ser2596= (NM_001354903.2, NM_001407458.1, NM_001407459.1 and 1 more transcripts); c.7713A>T, p.Ser2571= (NM_001354904.2); c.7611A>T, p.Ser2537= (NM_001354905.2); c.7242A>T, p.Ser2414= (NM_001354906.2, NM_001407470.1); c.8175A>T, p.Ser2725= (NM_001407446.1); c.8145A>T, p.Ser2715= (NM_001407447.1, NM_001407448.1, NM_001407449.1 and 1 more transcripts); and 11 more.
Identifiers: ClinVar variation 3254258 (VCV003254258.1), dbSNP rs2149999087.
Genomic context (GRCh38, chr5:112,843,685, plus strand): 5'-TAATACTCCCCCGGTGATTGACAGTGTTTCAGAAAAGGCAAATCCAAACATTAAAGATTC[A>T]AAAGATAATCAGGCAAAACAAAATGTGGGTAATGGCAGTGTTCCCATGCGTACCGTGGGT-3'
Protein context (NP_000029.2, residues 2687-2707): SEKANPNIKD[Ser2697=]KDNQAKQNVG